The following is an entry in ClinVar:

NM_002185.5(IL7R):c.707G>A (p.Gly236Glu)

Gene: IL7R (interleukin 7 receptor; plus strand). Cytogenetic location: 5p13.2.
Variant type: single nucleotide variant.
Coding change: c.707G>A on transcript NM_002185.5 (MANE Select); coding-DNA position 707, G replaced by A.
Protein change: p.Gly236Glu; replaces glycine 236 with glutamic acid.
Molecular consequence: missense variant.
Genome position (GRCh38, 1-based): chr5:35,874,449, G>A. VCF-style: chr5-35874449-G-A. GRCh37 (hg19) VCF-style: chr5-35874551-G-A.
Other names: NM_002185.5(IL7R):c.707G>A; p.Gly236Glu; short protein forms G236E.
Identifiers: ClinVar variation 353268 (VCV000353268.20), dbSNP rs201084372, ClinGen allele CA3232074.

ClinVar aggregate classification (germline): Uncertain significance. Review status: reviewed by expert panel (3 of 4 stars). 5 submissions from 5 submitters: Uncertain significance (1). 4 of the submissions do not count toward it. Last evaluated 2024-06-14.

Conditions:
Immunodeficiency 104. Also called: SCID, AUTOSOMAL RECESSIVE, T CELL-NEGATIVE, B CELL-POSITIVE, NK CELL-POSITIVE; Severe Combined Immune Deficiency, Autosomal Recessive, TCell -Negative, B Cell-Positive, NK Cell-Positive, IL7R-Related; Severe combined immunodeficiency, autosomal recessive, T cell-negative, B cell-positive, NK cell-positive; IMMUNODEFICIENCY 104, SEVERE COMBINED. Identifiers: MedGen C5676890, MONDO:0012163, OMIM 608971.

Allele frequency attached by ClinVar (database versions not stated): ESP Exome Variant Server 0.00015; gnomAD 0.00021 and 0.00023; gnomAD exomes 0.00021 and 0.00040; TOPMed 0.00025; ExAC 0.00027.
gnomAD v4.1: 359 of 1,602,544 alleles (0.022%); highest among the groups gnomAD compares: Non-Finnish European, 0.0052%; 4 homozygotes.

Submissions (6):

ClinGen Severe Combined Immunodeficiency Variant Curation Expert Panel, ClinGen
Classification: Uncertain significance for Immunodeficiency 104. Last evaluated: 2024-06-14. Review status: reviewed by expert panel. Criteria: ClinGen SCID ACMG Specifications IL7R V1.0.0. Collection method: curation. Allele origin: germline. Inheritance: Autosomal recessive inheritance.
Comment: NM_002185.5(IL7R):c.707G>A is a missense variant predicted to cause substitution of Glycine by Glutamic Acid at amino acid 236 (p.Gly236Glu). This variant was found in 4 homozygotes in gnomAD v4 (BS2_supporting).There are no publications for this variant in the literature. In summary, this variant meets the criteria to be classified as a variant of uncertain significance for autosomal recessive severe combined immunodeficiency due to IL7R deficiency based on the ACMG/AMP criteria applied, as specified by the ClinGen SCID VCEP: BS2_supporting (VCEP specifications version 1).

Women's Health and Genetics/Laboratory Corporation of America, LabCorp
Classification: Likely benign. Last evaluated: 2026-02-10. Review status: criteria provided, single submitter. Criteria: LabCorp Variant Classification Summary - May 2015. Collection method: clinical testing. Allele origin: germline. Not counted in ClinVar's aggregate classification.
Comment: Variant summary: IL7R c.707G>A (p.Gly236Glu) results in a non-conservative amino acid change in the encoded protein sequence. Algorithms developed to predict the effect of missense changes on protein structure and function are either unavailable or do not agree on the potential impact of this missense change. Consensus agreement among computation tools predict no significant impact on normal splicing. However, these predictions have yet to be confirmed by functional studies. The variant allele was found at a frequency of 0.0004 in 251292 control chromosomes, predominantly at a frequency of 0.0084 within the Ashkenazi Jewish subpopulation in the gnomAD database. The observed variant frequency within Ashkenazi Jewish control individuals in the gnomAD database exceeds the estimated maximal expected allele frequency for disease-causing variants in IL7R. To our knowledge, no occurrence of c.707G>A in individuals affected with IL7R-related conditions and no experimental evidence demonstrating its impact on protein function have been reported. ClinVar contains an entry for this variant (Variation ID: 353268). Based on the evidence outlined above, the variant was classified as likely benign.

Labcorp Genetics (formerly Invitae), Labcorp
Classification: Benign for Immunodeficiency 104. Last evaluated: 2026-01-25. Review status: criteria provided, single submitter. Criteria: Invitae Variant Classification Sherloc (09022015). Collection method: clinical testing. Allele origin: germline. Not counted in ClinVar's aggregate classification.

Blueprint Genetics
Classification: Uncertain significance. Last evaluated: 2024-10-16. Review status: criteria provided, single submitter. Criteria: ACMG Guidelines, 2015. Collection method: clinical testing. Allele origin: germline. Not counted in ClinVar's aggregate classification.

Illumina Laboratory Services, Illumina
Classification: Uncertain significance for Immunodeficiency 104. Last evaluated: 2018-01-13. Review status: criteria provided, single submitter. Criteria: ICSL Variant Classification Criteria 13 December 2019. Collection method: clinical testing. Allele origin: germline. Not counted in ClinVar's aggregate classification.

Dr. Peter K. Rogan Lab, Western University
No classification provided (evidence only). Condition: Nonpapillary renal cell carcinoma. Review status: no classification provided. Collection method: in vitro. Allele origin: not applicable. Functional consequence: retained intron. Not counted in ClinVar's aggregate classification.